The following is an entry in ClinVar:

NM_001127222.2(CACNA1A):c.4709C>T (p.Thr1570Met)

Gene: CACNA1A (calcium voltage-gated channel subunit alpha1 A; minus strand). Cytogenetic location: 19p13.13.
Variant type: single nucleotide variant.
Coding change: c.4709C>T on transcript NM_001127222.2 (MANE Select); coding-DNA position 4709, C replaced by T.
Protein change: p.Thr1570Met; replaces threonine 1570 with methionine.
Molecular consequence: missense variant.
Genome position (GRCh38, 1-based): chr19:13,255,141, G>A on the plus strand (C>T on the coding strand, the complement: CACNA1A is on the minus strand). VCF-style: chr19-13255141-G-A. GRCh37 (hg19) VCF-style: chr19-13365955-G-A.
Other names: c.4721C>T, p.Thr1574Met (NM_023035.3, NM_000068.4); c.4712C>T, p.Thr1571Met (NM_001127221.2, NM_001174080.2); short protein forms T1570M, T1571M, T1574M.
Identifiers: ClinVar variation 4602460 (VCV004602460.1).
Genomic context (GRCh38, chr19:13,255,141, plus strand): 5'-TGTGGGGCACTTACCTTCATCATAAGCACGATGGTGTTGAGGGCGATCATGGCCATGATC[G>A]TGTACTCGAAAGGCGGAGACACCACGAACTGCCACATGCGGTACTGGAAGCTCTGCTTGT-3'
Protein context (NP_001120694.1, residues 1560-1580): QFVVSPPFEY[Thr1570Met]IMAMIALNTI

ClinVar aggregate classification (germline): Uncertain significance (1 of 4 stars; one submission).

Conditions:
Inborn genetic diseases. Identifiers: MedGen C0950123, MeSH D030342.

gnomAD v4.1: 1 of 1,613,900 alleles (0.000062%); highest among the groups gnomAD compares: Non-Finnish European, 0.000085%; no homozygotes.

Submission:

Ambry Genetics
Classification: Uncertain significance for Inborn genetic diseases. Last evaluated: 2025-11-24. Review status: criteria provided, single submitter. Criteria: Ambry Variant Classification Scheme 2023. Collection method: clinical testing. Allele origin: germline.
Comment: The c.4712C>T (p.T1571M) alteration is located in exon 29 (coding exon 29) of the CACNA1A gene. This alteration results from a C to T substitution at nucleotide position 4712, causing the threonine (T) at amino acid position 1571 to be replaced by a methionine (M). Based on data from gnomAD, the T allele has an overall frequency of 0.001% (3/249276) total alleles studied. The highest observed frequency was 0.006% (1/17976) of East Asian alleles. Based on insufficient or conflicting evidence, the clinical significance of this alteration remains unclear.